The following is an entry in ClinVar:

ClinVar aggregate classification (germline): Pathogenic (0 of 4 stars; one submission).

Conditions:
Stargardt disease (FFM). Also called: Stargardt's disease; Fundus flavimaculatus. Identifiers: Orphanet 827, MedGen C0271093, MONDO:0019353.

Submission:

Ophthalmo-Genetics Lab, Instituto de Oftalmologia Conde de Valenciana
Classification: Pathogenic for Stargardt disease. Last evaluated: 2022-12-20. Review status: no assertion criteria provided. Collection method: research. Allele origin: biparental. Inheritance: Autosomal recessive inheritance. Affected: yes. Observed: 1 compound heterozygote.
Comment: PP2,PP3,PP4,PM2,PM5 ACMG Criteria

Literature cited by the submitters: PubMed 35608843.

NM_000350.3(ABCA4):c.2453G>C (p.Gly818Ala)

Gene: ABCA4 (ATP binding cassette subfamily A member 4; minus strand). Cytogenetic location: 1p22.1.
Variant type: single nucleotide variant.
Coding change: c.2453G>C on transcript NM_000350.3 (MANE Select); coding-DNA position 2453, G replaced by C.
Protein change: p.Gly818Ala; replaces glycine 818 with alanine.
Molecular consequence: missense variant.
Genome position (GRCh38, 1-based): chr1:94,055,245, C>G on the plus strand (G>C on the coding strand, the complement: ABCA4 is on the minus strand). VCF-style: chr1-94055245-C-G. GRCh37 (hg19) VCF-style: chr1-94520801-C-G.
Other names: c.2231G>C, p.Gly744Ala (NM_001425324.1); short protein forms G818A, G744A.
Identifiers: ClinVar variation 1804636 (VCV001804636.1), dbSNP rs61750202, ClinGen allele CA341277056.
Genomic context (GRCh38, chr1:94,055,245, plus strand): 5'-AGCAGGAAGCTGAATTCGTCCCCTTCCGTGGGACTGTTCCCGATGTTGCTCCACTGCAGC[C>G]CCAGGCCTTGCTCTTCAAAGCGAACCAGGTACTCAGTGCCAAATCCAAATGCCACCGGAG-3'
Protein context (NP_000341.2, residues 808-828): YLVRFEEQGL[Gly818Ala]LQWSNIGNSP